The following is an entry in ClinVar:

NM_001972.4(ELANE):c.639del (p.His213fs)

Gene: ELANE (elastase, neutrophil expressed; plus strand). Cytogenetic location: 19p13.3.
Variant type: Deletion.
Coding change: c.639del on transcript NM_001972.4 (MANE Select); coding-DNA position 639, one base deleted (C; older notation c.639delC).
Protein change: p.His213fs; shifts the reading frame from histidine 213.
Molecular consequence: frameshift variant.
Genome position (GRCh38, 1-based): chr19:855,999, C deleted. VCF-style (leftmost placement, unchanged base first): chr19-855998-AC-A. GRCh37 (hg19) VCF-style: chr19-855998-AC-A.
Other names: short protein forms H213fs.
Identifiers: ClinVar variation 2942789 (VCV002942789.3), dbSNP rs2512169227, ClinGen allele CA2740091835.

ClinVar aggregate classification (germline): Pathogenic (1 of 4 stars; one submission).

Conditions:
Neutropenia, severe congenital, 1, autosomal dominant. Identifiers: MedGen C1859966, MONDO:0042490, OMIM 202700.
Cyclical neutropenia. Also called: Cyclic hematopoiesis; Cyclic Neutropenia. Identifiers: Orphanet 2686, MedGen C0221023, MONDO:0008090, OMIM 162800, HP:0040289. Disease mechanism: loss of function.

Submission:

Labcorp Genetics (formerly Invitae), Labcorp
Classification: Pathogenic for Neutropenia, severe congenital, 1, autosomal dominant; Cyclical neutropenia. Last evaluated: 2024-01-02. Review status: criteria provided, single submitter. Criteria: Invitae Variant Classification Sherloc (09022015). Collection method: clinical testing. Allele origin: germline.
Comment: This sequence change creates a premature translational stop signal (p.His213Glnfs*27) in the ELANE gene. While this is not anticipated to result in nonsense mediated decay, it is expected to disrupt the last 55 amino acid(s) of the ELANE protein. This variant is not present in population databases (gnomAD no frequency). This premature translational stop signal has been observed in individual(s) with clinical features of severe congenital neutropenia (Invitae). In at least one individual the variant was observed to be de novo. This variant is located in a region of the ELANE protein where a significant number of ELANE nonsense and -1/+2 frameshift mutations have been reported in association with autosomal dominant ELANE-related neutropenia (PMID: 33513358, 23463630, 34340247). For these reasons, this variant has been classified as Pathogenic.

Literature cited by the submitters: PubMed 33513358; PubMed 23463630; PubMed 34340247.